The following is an entry in ClinVar:

ClinVar aggregate classification (germline): Pathogenic (1 of 4 stars; one submission).

Conditions:
Neurofibromatosis, type 1 (NF1). Also called: VON RECKLINGHAUSEN DISEASE; Neurofibromatosis, type I; NEUROFIBROMATOSIS, TYPE I, SOMATIC; Peripheral type neurofibromatosis. Identifiers: Orphanet 636, MedGen C0027831, MONDO:0018975, OMIM 162200. Disease mechanism: loss of function.

Submission:

Labcorp Genetics (formerly Invitae), Labcorp
Classification: Pathogenic for Neurofibromatosis, type 1. Last evaluated: 2019-01-04. Review status: criteria provided, single submitter. Criteria: Invitae Variant Classification Sherloc (09022015). Collection method: clinical testing. Allele origin: germline.
Comment: Loss-of-function variants in NF1 are known to be pathogenic (PMID: 10712197, 23913538). For these reasons, this variant has been classified as Pathogenic. This variant has been observed to segregate with neurofibromatosis type-1 in a family (Invitae). This variant is not present in population databases (ExAC no frequency). This sequence change creates a premature translational stop signal (p.Arg1590Hisfs*13) in the NF1 gene. It is expected to result in an absent or disrupted protein product.

Literature cited by the submitters: PubMed 10712197; PubMed 23913538.

NM_001042492.3(NF1):c.4832_4834delinsAC (p.Arg1611fs)

Gene: NF1 (neurofibromin 1; plus strand). Cytogenetic location: 17q11.2.
Variant type: Indel.
Coding change: c.4832_4834delinsAC on transcript NM_001042492.3 (MANE Select); coding-DNA positions 4832 to 4834, GGA replaced by AC.
Protein change: p.Arg1611fs; shifts the reading frame from arginine 1611.
Molecular consequence: frameshift variant.
Genome position (GRCh38, 1-based): chr17:31,265,336-31,265,338, GGA replaced by AC. VCF-style: chr17-31265336-GGA-AC. GRCh37 (hg19) VCF-style: chr17-29592354-GGA-AC.
Other names: c.4769_4771delGGAinsAC, p.Arg1590Hisfs (NM_000267.4); short protein forms R1611fs, R1590fs.
Identifiers: ClinVar variation 649126 (VCV000649126.6), dbSNP rs1597753353, ClinGen allele CA915949674.